The following is an entry in ClinVar:

NM_003839.4(TNFRSF11A):c.402G>A (p.Ala134=)

Gene: TNFRSF11A (TNF receptor superfamily member 11a; plus strand). Cytogenetic location: 18q21.33.
Variant type: single nucleotide variant.
Coding change: c.402G>A on transcript NM_003839.4 (MANE Select); coding-DNA position 402, G replaced by A.
Protein change: p.Ala134=; no amino-acid change (alanine 134 retained).
Molecular consequence: synonymous variant.
Genome position (GRCh38, 1-based): chr18:62,354,509, G>A. VCF-style: chr18-62354509-G-A. GRCh37 (hg19) VCF-style: chr18-60021742-G-A.
Other names: c.402G>A, p.Ala134= (NM_001270949.2, NM_001270950.2, NM_001270951.2 and 1 more transcripts).
Identifiers: ClinVar variation 327728 (VCV000327728.39), dbSNP rs145242277, ClinGen allele CA8983715.

ClinVar aggregate classification (germline): Conflicting classifications of pathogenicity. Review status: criteria provided, conflicting classifications (1 of 4 stars). 5 submissions from 4 submitters: Uncertain significance (2); Likely benign (3). Last evaluated 2026-01-25.

Conditions:
Paget disease of bone 2, early-onset (PDB2). Also called: Paget disease of bone 2. Identifiers: MedGen C4085251, MONDO:0011183, OMIM 602080.
Autosomal recessive osteopetrosis 7. Identifiers: Orphanet 178389, MedGen C2676766, MONDO:0012859, OMIM 612301.

Allele frequency attached by ClinVar (database versions not stated): gnomAD exomes 0.00007 and 0.00008; ExAC 0.00012; TOPMed 0.00022; gnomAD 0.00023; ESP Exome Variant Server 0.00032; 1000 Genomes Project 0.00060; 1000 Genomes Project 30x 0.00062.
gnomAD v4.1: 155 of 1,602,600 alleles (0.0097%); highest among the groups gnomAD compares: African/African-American, 0.079%; no homozygotes.

Submissions (5):

Labcorp Genetics (formerly Invitae), Labcorp
Classification: Likely benign. Last evaluated: 2026-01-25. Review status: criteria provided, single submitter. Criteria: Invitae Variant Classification Sherloc (09022015). Collection method: clinical testing. Allele origin: germline.

Blueprint Genetics
Classification: Likely benign. Last evaluated: 2024-09-13. Review status: criteria provided, single submitter. Criteria: ACMG Guidelines, 2015. Collection method: clinical testing. Allele origin: germline.

CeGaT Center for Human Genetics Tuebingen
Classification: Likely benign. Last evaluated: 2022-04-01. Review status: criteria provided, single submitter. Criteria: CeGaT Center For Human Genetics Tuebingen Variant Classification Criteria Version 2. Collection method: clinical testing. Allele origin: germline. Affected: yes. Observed: 1 variant allele.
Comment: TNFRSF11A: BP4, BP7

Illumina Laboratory Services, Illumina
Classification: Uncertain significance for Paget disease of bone 2, early-onset. Last evaluated: 2018-01-13. Review status: criteria provided, single submitter. Criteria: ICSL Variant Classification Criteria 13 December 2019. Collection method: clinical testing. Allele origin: germline.

Illumina Laboratory Services, Illumina
Classification: Uncertain significance for Autosomal recessive osteopetrosis 7. Last evaluated: 2018-01-13. Review status: criteria provided, single submitter. Criteria: ICSL Variant Classification Criteria 13 December 2019. Collection method: clinical testing. Allele origin: germline.